The following is an entry in ClinVar:

NM_000732.6(CD3D):c.28C>G (p.Leu10Val)

Gene: CD3D (CD3 delta subunit of T-cell receptor complex; minus strand). Cytogenetic location: 11q23.3.
Variant type: single nucleotide variant.
Coding change: c.28C>G on transcript NM_000732.6 (MANE Select); coding-DNA position 28, C replaced by G.
Protein change: p.Leu10Val; replaces leucine 10 with valine.
Molecular consequence: missense variant.
Genome position (GRCh38, 1-based): chr11:118,342,580, G>C on the plus strand (C>G on the coding strand, the complement: CD3D is on the minus strand). VCF-style: chr11-118342580-G-C. GRCh37 (hg19) VCF-style: chr11-118213295-G-C.
Other names: c.28C>G, p.Leu10Val (NM_001040651.2); short protein forms L10V.
Identifiers: ClinVar variation 1056415 (VCV001056415.6), dbSNP rs758632643, ClinGen allele CA6302028.

ClinVar aggregate classification (germline): Uncertain significance (1 of 4 stars; one submission).

Conditions:
Immunodeficiency 19 (IMD19). Also called: CD3-DELTA DEFICIENCY; SEVERE COMBINED IMMUNODEFICIENCY, T CELL-NEGATIVE, B CELL-POSITIVE, NK CELL-POSITIVE; SCID, T CELL-NEGATIVE, B CELL-POSITIVE, NK CELL-POSITIVE; IMMUNODEFICIENCY 19, SEVERE COMBINED. Identifiers: MedGen C3810147, MONDO:0014280, OMIM 615617.

Allele frequency attached by ClinVar (database versions not stated): ExAC 0.00001; TOPMed 0.00002; gnomAD exomes 0.00001; gnomAD 0.00001.

Submission:

Labcorp Genetics (formerly Invitae), Labcorp
Classification: Uncertain significance for Immunodeficiency 19. Last evaluated: 2021-08-24. Review status: criteria provided, single submitter. Criteria: Invitae Variant Classification Sherloc (09022015). Collection method: clinical testing. Allele origin: germline.
Comment: This sequence change replaces leucine with valine at codon 10 of the CD3D protein (p.Leu10Val). The leucine residue is highly conserved and there is a small physicochemical difference between leucine and valine. This variant is present in population databases (rs758632643, ExAC 0.009%). This variant has not been reported in the literature in individuals affected with CD3D-related conditions. Algorithms developed to predict the effect of missense changes on protein structure and function are either unavailable or do not agree on the potential impact of this missense change (SIFT: "Tolerated"; PolyPhen-2: "Probably Damaging"; Align-GVGD: "Class C0"). In summary, the available evidence is currently insufficient to determine the role of this variant in disease. Therefore, it has been classified as a Variant of Uncertain Significance.